The following is an entry in ClinVar:

NM_004415.4(DSP):c.170+2dup

Genes: DSP (desmoplakin; plus strand), DSP-AS1 (DSP antisense RNA 1; minus strand). Cytogenetic location: 6p24.3.
Variant type: Duplication.
Coding change: c.170+2dup on transcript NM_004415.4 (MANE Select); the canonical splice donor site of the intron after coding-DNA position 170, one base duplicated (T; older notation c.170+2dupT).
Molecular consequence: splice donor variant.
Genome position (GRCh38, 1-based): chr6:7,542,087, T duplicated. VCF-style (leftmost placement, unchanged base first): chr6-7542086-G-GT. GRCh37 (hg19) VCF-style: chr6-7542319-G-GT.
Other names: c.170+2dup (NM_001319034.2, NM_001008844.3).
Identifiers: ClinVar variation 1430156 (VCV001430156.6), dbSNP rs2113629250, ClinGen allele CA2573140849.

ClinVar aggregate classification (germline): Uncertain significance (1 of 4 stars; one submission).

Conditions:
Arrhythmogenic right ventricular dysplasia 8 (ARVD8). Also called: ARRHYTHMOGENIC RIGHT VENTRICULAR DYSPLASIA, FAMILIAL, 8; ARRHYTHMOGENIC RIGHT VENTRICULAR CARDIOMYOPATHY 8; Arrhythmogenic Right Ventricular Dysplasia/Cardiomyopathy 8. Identifiers: MedGen C1843896, MONDO:0011831, OMIM 607450.
Arrhythmogenic cardiomyopathy with wooly hair and keratoderma. Also called: Arrhythmogenic cardiomyopathy with woolly hair and keratoderma; PALMOPLANTAR KERATODERMA WITH LEFT VENTRICULAR CARDIOMYOPATHY AND WOOLLY HAIR; Carvajal syndrome; Dilated cardiomyopathy with woolly hair and keratoderma. Identifiers: Orphanet 65282, MedGen C1854063, MONDO:0011581, OMIM 605676.

Submission:

Labcorp Genetics (formerly Invitae), Labcorp
Classification: Uncertain significance for Arrhythmogenic cardiomyopathy with wooly hair and keratoderma; Arrhythmogenic right ventricular dysplasia 8. Last evaluated: 2022-11-01. Review status: criteria provided, single submitter. Criteria: Invitae Variant Classification Sherloc (09022015). Collection method: clinical testing. Allele origin: germline.
Comment: This variant is not present in population databases (gnomAD no frequency). This sequence change falls in intron 1 of the DSP gene. It does not directly change the encoded amino acid sequence of the DSP protein. It affects a nucleotide within the consensus splice site. This variant has not been reported in the literature in individuals affected with DSP-related conditions. ClinVar contains an entry for this variant (Variation ID: 1430156). Variants that disrupt the consensus splice site are a relatively common cause of aberrant splicing (PMID: 17576681, 9536098). Algorithms developed to predict the effect of sequence changes on RNA splicing suggest that this variant may disrupt the consensus splice site. In summary, the available evidence is currently insufficient to determine the role of this variant in disease. Therefore, it has been classified as a Variant of Uncertain Significance.

Literature cited by the submitters: PubMed 17576681; PubMed 9536098.